The following is an entry in ClinVar:

NM_032608.7(MYO18B):c.224C>G (p.Pro75Arg)

Gene: MYO18B (myosin XVIIIB; plus strand). Cytogenetic location: 22q12.1.
Variant type: single nucleotide variant.
Coding change: c.224C>G on transcript NM_032608.7 (MANE Select); coding-DNA position 224, C replaced by G.
Protein change: p.Pro75Arg; replaces proline 75 with arginine.
Molecular consequence: missense variant.
Genome position (GRCh38, 1-based): chr22:25,768,140, C>G. VCF-style: chr22-25768140-C-G. GRCh37 (hg19) VCF-style: chr22-26164107-C-G.
Other names: c.224C>G, p.Pro75Arg (NM_001318245.2); short protein forms P75R.
Identifiers: ClinVar variation 3724524 (VCV003724524.2).

ClinVar aggregate classification (germline): Uncertain significance (1 of 4 stars; one submission).

Submission:

Labcorp Genetics (formerly Invitae), Labcorp
Classification: Uncertain significance. Last evaluated: 2024-11-09. Review status: criteria provided, single submitter. Criteria: Invitae Variant Classification Sherloc (09022015). Collection method: clinical testing. Allele origin: germline.
Comment: This sequence change replaces proline, which is neutral and non-polar, with arginine, which is basic and polar, at codon 75 of the MYO18B protein (p.Pro75Arg). This variant is not present in population databases (gnomAD no frequency). This variant has not been reported in the literature in individuals affected with MYO18B-related conditions. An algorithm developed to predict the effect of missense changes on protein structure and function (PolyPhen-2) suggests that this variant is likely to be disruptive. In summary, the available evidence is currently insufficient to determine the role of this variant in disease. Therefore, it has been classified as a Variant of Uncertain Significance.